The following is an entry in ClinVar:

NM_001378969.1(KCND3):c.110G>C (p.Arg37Pro)

Gene: KCND3 (potassium voltage-gated channel subfamily D member 3; minus strand). Cytogenetic location: 1p13.2.
Variant type: single nucleotide variant.
Coding change: c.110G>C on transcript NM_001378969.1 (MANE Select); coding-DNA position 110, G replaced by C.
Protein change: p.Arg37Pro; replaces arginine 37 with proline.
Molecular consequence: missense variant.
Genome position (GRCh38, 1-based): chr1:111,982,617, C>G on the plus strand (G>C on the coding strand, the complement: KCND3 is on the minus strand). VCF-style: chr1-111982617-C-G. GRCh37 (hg19) VCF-style: chr1-112525239-C-G.
Other names: c.110G>C, p.Arg37Pro (NM_001378970.1, NM_004980.5, NM_172198.3); short protein forms R37P.
Identifiers: ClinVar variation 1450055 (VCV001450055.8), dbSNP rs1675021542, ClinGen allele CA341822889.

ClinVar aggregate classification (germline): Uncertain significance (1 of 4 stars; one submission).

Conditions:
Spinocerebellar ataxia type 19/22 (SCA19). Also called: SPINOCEREBELLAR ATAXIA 22; SPINOCEREBELLAR ATAXIA 19. Identifiers: Orphanet 98772, MedGen C1846367, MONDO:0011819, OMIM 607346.

Submission:

Labcorp Genetics (formerly Invitae), Labcorp
Classification: Uncertain significance for Spinocerebellar ataxia type 19/22. Last evaluated: 2021-05-19. Review status: criteria provided, single submitter. Criteria: Invitae Variant Classification Sherloc (09022015). Collection method: clinical testing. Allele origin: germline.
Comment: In summary, the available evidence is currently insufficient to determine the role of this variant in disease. Therefore, it has been classified as a Variant of Uncertain Significance. Algorithms developed to predict the effect of missense changes on protein structure and function are either unavailable or do not agree on the potential impact of this missense change (SIFT: "Deleterious"; PolyPhen-2: "Benign"; Align-GVGD: "Class C35"). This variant has not been reported in the literature in individuals with KCND3-related conditions. This variant is not present in population databases (ExAC no frequency). This sequence change replaces arginine with proline at codon 37 of the KCND3 protein (p.Arg37Pro). The arginine residue is highly conserved and there is a moderate physicochemical difference between arginine and proline.